The following is an entry in ClinVar:

ClinVar aggregate classification (germline): Uncertain significance (1 of 4 stars; one submission).

Conditions:
ADCY3-related disorder. Also called: ADCY3-related condition.

Allele frequency attached by ClinVar (database versions not stated): gnomAD exomes below 0.00001; TOPMed below 0.00001; ExAC 0.00001.
gnomAD v4.1: 1 of 1,613,456 alleles (0.000062%); highest among the groups gnomAD compares: Non-Finnish European, 0.000085%; no homozygotes.

Submission:

PreventionGenetics, part of Exact Sciences
Classification: Uncertain significance for ADCY3-related condition. Last evaluated: 2023-06-15. Review status: criteria provided, single submitter. Criteria: ACMG Guidelines, 2015. Collection method: clinical testing. Allele origin: germline.
Comment: The ADCY3 c.1036G>A variant is predicted to result in the amino acid substitution p.Glu346Lys. To our knowledge, this variant has not been reported in the literature. This variant is reported in 0.00088% of alleles in individuals of European (Non-Finnish) descent in gnomAD. At this time, the clinical significance of this variant is uncertain due to the absence of conclusive functional and genetic evidence.

NM_004036.5(ADCY3):c.1036G>A (p.Glu346Lys)

Gene: ADCY3 (adenylate cyclase 3; minus strand). Cytogenetic location: 2p23.3.
Variant type: single nucleotide variant.
Coding change: c.1036G>A on transcript NM_004036.5 (MANE Select); coding-DNA position 1036, G replaced by A.
Protein change: p.Glu346Lys; replaces glutamic acid 346 with lysine.
Molecular consequence: missense variant.
Genome position (GRCh38, 1-based): chr2:24,841,588, C>T on the plus strand (G>A on the coding strand, the complement: ADCY3 is on the minus strand). VCF-style: chr2-24841588-C-T. GRCh37 (hg19) VCF-style: chr2-25064457-C-T.
Other names: c.1036G>A, p.Glu346Lys (NM_001320613.2, NM_001377128.1, NM_001377129.1 and 2 more transcripts); c.313G>A, p.Glu105Lys (NM_001377131.1); short protein forms E105K, E346K.
Identifiers: ClinVar variation 2629654 (VCV002629654.1), dbSNP rs751298086, ClinGen allele CA1554323.
Genomic context (GRCh38, chr2:24,841,588, plus strand): 5'-GGAGAGCCAGGCGGGGCCAGGGACTTACAGCTGCCAGCTTGTCAAAGCGGGCAAAGAGCT[C>T]GTTGAGCAGCTTCACAAGCTCCTGGGCACTGCAGGCAGAAGACAGCTGGGTAAAGCCCAC-3'
Protein context (NP_004027.2, residues 336-356): SAQELVKLLN[Glu346Lys]LFARFDKLAA